The following is an entry in ClinVar:

ClinVar aggregate classification (germline): Uncertain significance (1 of 4 stars; one submission).

Allele frequency attached by ClinVar (database versions not stated): gnomAD exomes below 0.00001 and 0.00001; TOPMed below 0.00001; ExAC 0.00001.
gnomAD v4.1: 2 of 1,614,194 alleles (0.00012%); highest among the groups gnomAD compares: Non-Finnish European, 0.00017%; no homozygotes.

Submission:

GeneDx
Classification: Uncertain significance. Last evaluated: 2019-01-14. Review status: criteria provided, single submitter. Criteria: GeneDx Variant Classification Process June 2021. Collection method: clinical testing. Allele origin: germline. Affected: yes.
Comment: Identified in an adult with probable Alzheimer disease who had a maternal family history of dementia; however, other affected relatives were not available for testing to determine whether the variant was de novo or segregated with the phenotype in the family (Andreoli et al., 2014); In silico analysis, which includes protein predictors and evolutionary conservation, supports that this variant does not alter protein structure/function; This variant is associated with the following publications: (PMID: 24292895, 27818011)

NM_000834.5(GRIN2B):c.3878A>G (p.Lys1293Arg)

Gene: GRIN2B (glutamate ionotropic receptor NMDA type subunit 2B; minus strand). Cytogenetic location: 12p13.1.
Variant type: single nucleotide variant.
Coding change: c.3878A>G on transcript NM_000834.5 (MANE Select); coding-DNA position 3878, A replaced by G.
Protein change: p.Lys1293Arg; replaces lysine 1293 with arginine.
Molecular consequence: missense variant.
Genome position (GRCh38, 1-based): chr12:13,563,360, T>C on the plus strand (A>G on the coding strand, the complement: GRIN2B is on the minus strand). VCF-style: chr12-13563360-T-C. GRCh37 (hg19) VCF-style: chr12-13716294-T-C.
Other names: short protein forms K1293R.
Identifiers: ClinVar variation 1303044 (VCV001303044.2), dbSNP rs749655702, ClinGen allele CA6460828.
Genomic context (GRCh38, chr12:13,563,360, plus strand): 5'-TCCTTCTGCAGGTCCACGAAGGTGTCGTAGGAGTGCTGCCGGCGCAGTTTGTTCCGGTTC[T>C]TCTTCTGGGCCTTGGAATTAGTCGGGCTCTGAGGGTACTTAGTGGTGGAGGCGTTTGACG-3'
Protein context (NP_000825.2, residues 1283-1303): QSPTNSKAQK[Lys1293Arg]NRNKLRRQHS